The following is an entry in ClinVar:

NM_000492.4(CFTR):c.3551A>T (p.Asn1184Ile)

Genes: CFTR-AS2 (CFTR antisense RNA 2; minus strand), CFTR (CF transmembrane conductance regulator; plus strand). Cytogenetic location: 7q31.2.
Variant type: single nucleotide variant.
Coding change: c.3551A>T on transcript NM_000492.4 (MANE Select); coding-DNA position 3551, A replaced by T.
Protein change: p.Asn1184Ile; replaces asparagine 1184 with isoleucine.
Molecular consequence: missense variant.
Genome position (GRCh38, 1-based): chr7:117,627,604, A>T. VCF-style: chr7-117627604-A-T. GRCh37 (hg19) VCF-style: chr7-117267658-A-T.
Other names: short protein forms N1184I.
Identifiers: ClinVar variation 2691307 (VCV002691307.3), dbSNP rs1792671752, ClinGen allele CA368996368.

ClinVar aggregate classification (germline): Uncertain significance. Review status: criteria provided, multiple submitters, no conflicts (2 of 4 stars). 2 submissions from 2 submitters: Uncertain significance (2). Last evaluated 2025-12-21.

Conditions:
Cystic fibrosis (CF). Also called: MUCOVISCIDOSIS. Identifiers: Orphanet 586, MedGen C0010674, MONDO:0009061, OMIM 219700. Disease mechanism: loss of function.

Allele frequency attached by ClinVar (database versions not stated): gnomAD exomes below 0.00001; gnomAD 0.00001.

Submissions (2):

Ambry Genetics
Classification: Uncertain significance for Cystic fibrosis. Last evaluated: 2025-12-21. Review status: criteria provided, single submitter. Criteria: Ambry Variant Classification Scheme 2023. Collection method: clinical testing. Allele origin: germline.
Comment: The p.N1184I variant (also known as c.3551A>T), located in coding exon 22 of the CFTR gene, results from an A to T substitution at nucleotide position 3551. The asparagine at codon 1184 is replaced by isoleucine, an amino acid with dissimilar properties. This amino acid position is conserved. In addition, the in silico prediction for this alteration is inconclusive. Since supporting evidence is limited at this time, the clinical significance of this alteration remains unclear.

Women's Health and Genetics/Laboratory Corporation of America, LabCorp
Classification: Uncertain significance. Last evaluated: 2023-12-18. Review status: criteria provided, single submitter. Criteria: LabCorp Variant Classification Summary - May 2015. Collection method: clinical testing. Allele origin: germline.